The following is an entry in ClinVar:

ClinVar aggregate classification (germline): Conflicting classifications of pathogenicity. Review status: criteria provided, conflicting classifications (1 of 4 stars). 2 submissions from 2 submitters: Uncertain significance (1); Likely benign (1). Last evaluated 2024-10-07.

Conditions:
Tuberous sclerosis 1 (TSC1). Identifiers: Orphanet 805, MedGen C1854465, MONDO:0008612, OMIM 191100.
Hereditary cancer-predisposing syndrome. Also called: Tumor predisposition; Hereditary neoplastic syndrome; Neoplastic Syndromes, Hereditary; Hereditary Cancer Syndrome. Identifiers: Orphanet 140162, MedGen C0027672, MeSH D009386, MONDO:0015356.

Submissions (2):

Ambry Genetics
Classification: Likely benign for Hereditary cancer-predisposing syndrome. Last evaluated: 2024-10-07. Review status: criteria provided, single submitter. Criteria: Ambry Variant Classification Scheme 2023. Collection method: clinical testing. Allele origin: germline.

Labcorp Genetics (formerly Invitae), Labcorp
Classification: Uncertain significance for Tuberous sclerosis 1. Last evaluated: 2019-05-18. Review status: criteria provided, single submitter. Criteria: Invitae Variant Classification Sherloc (09022015). Collection method: clinical testing. Allele origin: germline.
Comment: In summary, the available evidence is currently insufficient to determine the role of this variant in disease. Therefore, it has been classified as a Variant of Uncertain Significance. Algorithms developed to predict the effect of missense changes on protein structure and function output the following: SIFT: "Tolerated"; PolyPhen-2: "Benign"; Align-GVGD: "Class C0". The asparagine amino acid residue is found in multiple mammalian species, suggesting that this missense change does not adversely affect protein function. These predictions have not been confirmed by published functional studies and their clinical significance is uncertain. This variant has not been reported in the literature in individuals with TSC1-related conditions. This variant is not present in population databases (ExAC no frequency). This sequence change replaces aspartic acid with asparagine at codon 563 of the TSC1 protein (p.Asp563Asn). The aspartic acid residue is moderately conserved and there is a small physicochemical difference between aspartic acid and asparagine.

NM_000368.5(TSC1):c.1687G>A (p.Asp563Asn)

Gene: TSC1 (TSC complex subunit 1; minus strand). Cytogenetic location: 9q34.13.
Variant type: single nucleotide variant.
Coding change: c.1687G>A on transcript NM_000368.5 (MANE Select); coding-DNA position 1687, G replaced by A.
Protein change: p.Asp563Asn; replaces aspartic acid 563 with asparagine.
Molecular consequence: missense variant.
Genome position (GRCh38, 1-based): chr9:132,905,891, C>T on the plus strand (G>A on the coding strand, the complement: TSC1 is on the minus strand). VCF-style: chr9-132905891-C-T. GRCh37 (hg19) VCF-style: chr9-135781278-C-T.
Other names: c.1684G>A, p.Asp562Asn (NM_001162426.2); c.1534G>A, p.Asp512Asn (NM_001162427.2); c.1324G>A, p.Asp442Asn (NM_001362177.2); short protein forms D442N, D562N, D563N, D512N.
Identifiers: ClinVar variation 933335 (VCV000933335.13), dbSNP rs1554815931, ClinGen allele CA375364210.